The following is an entry in ClinVar:

NM_000204.5(CFI):c.1637G>T (p.Trp546Leu)

Gene: CFI (complement factor I; minus strand). Cytogenetic location: 4q25.
Variant type: single nucleotide variant.
Coding change: c.1637G>T on transcript NM_000204.5 (MANE Select); coding-DNA position 1637, G replaced by T.
Protein change: p.Trp546Leu; replaces tryptophan 546 with leucine.
Molecular consequence: missense variant. On other transcripts: non-coding transcript variant (3), intron variant (5).
Genome position (GRCh38, 1-based): chr4:109,741,008, C>A on the plus strand (G>T on the coding strand, the complement: CFI is on the minus strand). VCF-style: chr4-109741008-C-A. GRCh37 (hg19) VCF-style: chr4-110662164-C-A.
Other names: c.1661G>T, p.Trp554Leu (NM_001318057.2); c.1616G>T, p.Trp539Leu (NM_001331035.2); c.1580G>T, p.Trp527Leu (NM_001375283.1); c.1028G>T, p.Trp343Leu (NM_001375284.1); c.1513+1483G>T (NM_001375282.1, NM_001375280.1); c.1534+1483G>T (NM_001375281.1, NM_001375279.1); c.1558+1483G>T (NM_001375278.1); short protein forms W343L, W527L, W539L, W546L, W554L.
Identifiers: ClinVar variation 3601999 (VCV003601999.1).

ClinVar aggregate classification (germline): Uncertain significance (1 of 4 stars; one submission).

Conditions:
Atypical hemolytic-uremic syndrome with I factor anomaly. Also called: HEMOLYTIC UREMIC SYNDROME, ATYPICAL, SUSCEPTIBILITY TO, 3; AHUS, SUSCEPTIBILITY TO, 3. Identifiers: Orphanet 2134, MedGen C2752039, MONDO:0013041, OMIM 612923.

Submission:

MVZ Medizinische Genetik Mainz
Classification: Uncertain significance for Atypical hemolytic-uremic syndrome with I factor anomaly. Last evaluated: 2025-01-14. Review status: criteria provided, single submitter. Criteria: UK Practice Guidelines For Variant Classification V4 01 2020. Collection method: clinical testing. Allele origin: germline. Inheritance: Autosomal dominant inheritance. Affected: yes. Observed: 1 variant allele.
Comment: ACMG Criteria: PP3_STR,PM2_SUP